The following is an entry in ClinVar:

NM_000179.3(MSH6):c.458-3T>A

Gene: MSH6 (mutS homolog 6; plus strand). Cytogenetic location: 2p16.3.
Variant type: single nucleotide variant.
Coding change: c.458-3T>A on transcript NM_000179.3 (MANE Select); 3 bases into the intron before coding-DNA position 458, T replaced by A.
Molecular consequence: intron variant.
Genome position (GRCh38, 1-based): chr2:47,795,891, T>A. VCF-style: chr2-47795891-T-A. GRCh37 (hg19) VCF-style: chr2-48023030-T-A.
Other names: c.-279-2720T>A (NM_001281493.2); c.238-2720T>A (NM_001281492.2); c.-445-3T>A (NM_001281494.2).
Identifiers: ClinVar variation 1046100 (VCV001046100.7), dbSNP rs1558656394, ClinGen allele CA2496046369.
Genomic context (GRCh38, chr2:47,795,891, plus strand): 5'-TGGGATTACAGGCGTGAGCCTCTGCACCCGGCCCTTATTGTTTATAAATACATTTCTTTC[T>A]AGGTTCAAAATCAAAGGAAGCCCAGAAGGGAGGTCATTTTTACAGTGCAAAGCCTGAAAT-3'

ClinVar aggregate classification (germline): Uncertain significance (1 of 4 stars; one submission).

Conditions:
Hereditary nonpolyposis colorectal neoplasms. Identifiers: MedGen C0009405, MeSH D003123.

Submission:

Labcorp Genetics (formerly Invitae), Labcorp
Classification: Uncertain significance for Hereditary nonpolyposis colorectal neoplasms. Last evaluated: 2025-03-18. Review status: criteria provided, single submitter. Criteria: Invitae Variant Classification Sherloc (09022015). Collection method: clinical testing. Allele origin: germline.
Comment: This sequence change falls in intron 2 of the MSH6 gene. It does not directly change the encoded amino acid sequence of the MSH6 protein. It affects a nucleotide within the consensus splice site. This variant is not present in population databases (gnomAD no frequency). This variant has not been reported in the literature in individuals affected with MSH6-related conditions. ClinVar contains an entry for this variant (Variation ID: 1046100). Variants that disrupt the consensus splice site are a relatively common cause of aberrant splicing (PMID: 17576681, 9536098). Algorithms developed to predict the effect of sequence changes on RNA splicing suggest that this variant is not likely to affect RNA splicing. In summary, the available evidence is currently insufficient to determine the role of this variant in disease. Therefore, it has been classified as a Variant of Uncertain Significance.

Literature cited by the submitters: PubMed 17576681; PubMed 9536098.